The following is an entry in ClinVar:

ClinVar aggregate classification (germline): Likely benign. Review status: criteria provided, multiple submitters, no conflicts (2 of 4 stars). 4 submissions from 4 submitters: Likely benign (4). Last evaluated 2026-08-01.

Allele frequency attached by ClinVar (database versions not stated): ESP Exome Variant Server 0.00069; gnomAD 0.00091 and 0.00096; 1000 Genomes Project 30x 0.00297.

Submissions (4):

CeGaT Center for Human Genetics Tuebingen
Classification: Likely benign. Last evaluated: 2026-08-01. Review status: criteria provided, single submitter. Criteria: CeGaT Center For Human Genetics Tuebingen Variant Classification Criteria Version 2. Collection method: clinical testing. Allele origin: germline. Affected: yes. Observed: 4 variant alleles.
Comment: HERC2: BP4, BP7

Blueprint Genetics
Classification: Likely benign. Last evaluated: 2024-11-14. Review status: criteria provided, single submitter. Criteria: ACMG Guidelines, 2015. Collection method: clinical testing. Allele origin: germline.

GeneDx
Classification: Likely benign. Last evaluated: 2019-01-11. Review status: criteria provided, single submitter. Criteria: GeneDx Variant Classification Process June 2021. Collection method: clinical testing. Allele origin: germline. Affected: yes.

Breakthrough Genomics
Classification: Likely benign. Review status: criteria provided, single submitter. Criteria: ACMG Guidelines, 2015. Collection method: not provided. Allele origin: germline. Inheritance: Autosomal recessive inheritance. Affected: yes.

NM_004667.6(HERC2):c.9939C>T (p.Arg3313=)

Gene: HERC2 (HECT and RLD domain containing E3 ubiquitin protein ligase 2; minus strand). Cytogenetic location: 15q13.1.
Variant type: single nucleotide variant.
Coding change: c.9939C>T on transcript NM_004667.6 (MANE Select); coding-DNA position 9939, C replaced by T.
Protein change: p.Arg3313=; no amino-acid change (arginine 3313 retained).
Molecular consequence: synonymous variant.
Genome position (GRCh38, 1-based): chr15:28,174,513, G>A on the plus strand (C>T on the coding strand, the complement: HERC2 is on the minus strand). VCF-style: chr15-28174513-G-A. GRCh37 (hg19) VCF-style: chr15-28419659-G-A.
Identifiers: ClinVar variation 1196152 (VCV001196152.17), dbSNP rs117437554, ClinGen allele CA7441009.
Genomic context (GRCh38, chr15:28,174,513, plus strand): 5'-AGAGGGCGTGGCCACATCCACAGTTGTCCACGCCACACTGTGGGACGACCCACAAGCCAC[G>A]CGTGTGATCTTCTGGCCTTCTAAGCCTTGCACGAGTGTGGGCTTCCTGTTAACCGTGGTC-3'
Protein context (NP_004658.3, residues 3303-3323): VQGLEGQKIT[Arg3313=]VACGSSHSVA